The following is an entry in ClinVar:

NM_004817.4(TJP2):c.1629G>A (p.Ser543=)

Gene: TJP2 (tight junction protein 2; plus strand). Cytogenetic location: 9q21.11.
Variant type: single nucleotide variant.
Coding change: c.1629G>A on transcript NM_004817.4 (MANE Select); coding-DNA position 1629, G replaced by A.
Protein change: p.Ser543=; no amino-acid change (serine 543 retained).
Molecular consequence: synonymous variant.
Genome position (GRCh38, 1-based): chr9:69,230,190, G>A. VCF-style: chr9-69230190-G-A. GRCh37 (hg19) VCF-style: chr9-71845106-G-A.
Other names: c.1629G>A, p.Ser543= (LRG_1201t1, NM_001369872.1, NM_001369873.1 and 1 more transcripts); c.1560G>A, p.Ser520= (NM_001170414.2, NM_001369871.1); c.1641G>A, p.Ser547= (NM_001170415.1, NM_001369874.1, NM_001369875.1); c.1722G>A, p.Ser574= (NM_001170416.2); c.1554G>A, p.Ser518= (NM_001369870.1).
Identifiers: ClinVar variation 499525 (VCV000499525.17), dbSNP rs771239031, ClinGen allele CA5073380.

ClinVar aggregate classification (germline): Conflicting classifications of pathogenicity. Review status: criteria provided, conflicting classifications (1 of 4 stars). 4 submissions from 4 submitters: Uncertain significance (1); Likely benign (2). 1 of the submissions does not count toward it. Last evaluated 2025-08-15.

Conditions:
TJP2-related disorder. Also called: TJP2-related condition.

Allele frequency attached by ClinVar (database versions not stated): gnomAD 0.00003 and 0.00004; gnomAD exomes 0.00003 and 0.00011; TOPMed 0.00006; ExAC 0.00007.
gnomAD v4.1: 52 of 1,614,038 alleles (0.0032%); highest among the groups gnomAD compares: Admixed American, 0.033%; no homozygotes.

Submissions (4):

Labcorp Genetics (formerly Invitae), Labcorp
Classification: Likely benign. Last evaluated: 2025-08-15. Review status: criteria provided, single submitter. Criteria: Invitae Variant Classification Sherloc (09022015). Collection method: clinical testing. Allele origin: germline.

GeneDx
Classification: Likely benign. Last evaluated: 2021-01-22. Review status: criteria provided, single submitter. Criteria: GeneDx Variant Classification Process June 2021. Collection method: clinical testing. Allele origin: germline. Affected: yes.

Eurofins Ntd Llc (ga)
Classification: Uncertain significance. Last evaluated: 2017-09-19. Review status: criteria provided, single submitter. Criteria: EGL Classification Definitions 2015. Collection method: clinical testing. Allele origin: germline. Observed: 2 variant alleles, 2 heterozygotes.

PreventionGenetics, part of Exact Sciences
Classification: Likely benign for TJP2-related condition. Last evaluated: 2023-03-17. Review status: no assertion criteria provided. Collection method: clinical testing. Allele origin: germline. Not counted in ClinVar's aggregate classification.
Comment: This variant is classified as likely benign based on ACMG/AMP sequence variant interpretation guidelines (Richards et al. 2015 PMID: 25741868, with internal and published modifications).